The following is an entry in ClinVar:

NM_153006.3(NAGS):c.1311G>T (p.Gly437=)

Gene: NAGS (N-acetylglutamate synthase; plus strand). Cytogenetic location: 17q21.31.
Variant type: single nucleotide variant.
Coding change: c.1311G>T on transcript NM_153006.3 (MANE Select); coding-DNA position 1311, G replaced by T.
Protein change: p.Gly437=; no amino-acid change (glycine 437 retained).
Molecular consequence: synonymous variant.
Genome position (GRCh38, 1-based): chr17:44,007,633, G>T. VCF-style: chr17-44007633-G-T. GRCh37 (hg19) VCF-style: chr17-42085001-G-T.
Identifiers: ClinVar variation 514209 (VCV000514209.9), dbSNP rs762358574, ClinGen allele CA8595377.
Genomic context (GRCh38, chr17:44,007,633, plus strand): 5'-GCTCTCCCGCTGCGCCAGGTACAACGCCGCCGCCATTCTGACCATGGAGCCCGTCCTGGG[G>T]GGCACCCCGTACCTGGACAAATTTGTGGTGAGCTCCAGCCGCCAGGGCCAAGGCTCCGGC-3'
Protein context (NP_694551.1, residues 427-447): AAILTMEPVL[Gly437=]GTPYLDKFVV

ClinVar aggregate classification (germline): Likely benign. Review status: criteria provided, multiple submitters, no conflicts (2 of 4 stars). 2 submissions from 2 submitters: Likely benign (2). Last evaluated 2026-01-11.

Conditions:
Hyperammonemia, type III (NAGSD). Also called: Hyperammonemia due to N-acetylglutamate synthase deficiency. Identifiers: Orphanet 927, MedGen C0268543, MONDO:0009377, OMIM 237310.

Allele frequency attached by ClinVar (database versions not stated): gnomAD exomes 0.00002 and 0.00003; TOPMed 0.00003; ExAC 0.00006.

Submissions (2):

Labcorp Genetics (formerly Invitae), Labcorp
Classification: Likely benign for Hyperammonemia, type III. Last evaluated: 2026-01-11. Review status: criteria provided, single submitter. Criteria: Invitae Variant Classification Sherloc (09022015). Collection method: clinical testing. Allele origin: germline.

GeneDx
Classification: Likely benign. Last evaluated: 2018-01-03. Review status: criteria provided, single submitter. Criteria: GeneDx Variant Classification (06012015). Collection method: clinical testing. Allele origin: germline. Affected: yes.
Comment: This variant is considered likely benign or benign based on one or more of the following criteria: it is a conservative change, it occurs at a poorly conserved position in the protein, it is predicted to be benign by multiple in silico algorithms, and/or has population frequency not consistent with disease.